The following is an entry in ClinVar:

NM_002890.3(RASA1):c.622G>A (p.Glu208Lys)

Genes: CCNH (cyclin H; minus strand), RASA1 (RAS p21 protein activator 1; plus strand). Cytogenetic location: 5q14.3.
Variant type: single nucleotide variant.
Coding change: c.622G>A on transcript NM_002890.3 (MANE Select); coding-DNA position 622, G replaced by A.
Protein change: p.Glu208Lys; replaces glutamic acid 208 with lysine.
Molecular consequence: missense variant. On other transcripts: intron variant (1).
Genome position (GRCh38, 1-based): chr5:87,331,430, G>A. VCF-style: chr5-87331430-G-A. GRCh37 (hg19) VCF-style: chr5-86627247-G-A.
Other names: c.91G>A, p.Glu31Lys (NM_022650.3); c.934-18635C>T (NM_001364075.2); short protein forms E208K, E31K.
Identifiers: ClinVar variation 3222918 (VCV003222918.1), dbSNP rs2531187536, ClinGen allele CA360375769.

ClinVar aggregate classification (germline): Uncertain significance (1 of 4 stars; one submission).

Conditions:
Cardiovascular phenotype. Identifiers: MedGen CN230736.

Submission:

Ambry Genetics
Classification: Uncertain significance for Cardiovascular phenotype. Last evaluated: 2023-12-29. Review status: criteria provided, single submitter. Criteria: Ambry Variant Classification Scheme 2023. Collection method: clinical testing. Allele origin: germline.
Comment: The p.E208K variant (also known as c.622G>A), located in coding exon 2 of the RASA1 gene, results from a G to A substitution at nucleotide position 622. The glutamic acid at codon 208 is replaced by lysine, an amino acid with similar properties. This amino acid position is conserved. In addition, this alteration is predicted to be deleterious by in silico analysis. Since supporting evidence is limited at this time, the clinical significance of this alteration remains unclear.